The following is an entry in ClinVar:

ClinVar aggregate classification (germline): Uncertain significance (1 of 4 stars; one submission).

Conditions:
Developmental and epileptic encephalopathy, 30 (DEE30). Also called: Epileptic encephalopathy, early infantile, 30. Identifiers: MedGen C4225360, MONDO:0014595, OMIM 616341.

Submission:

Labcorp Genetics (formerly Invitae), Labcorp
Classification: Uncertain significance for Developmental and epileptic encephalopathy, 30. Last evaluated: 2025-08-20. Review status: criteria provided, single submitter. Criteria: Invitae Variant Classification Sherloc (09022015). Collection method: clinical testing. Allele origin: germline.
Comment: This sequence change replaces glycine, which is neutral and non-polar, with valine, which is neutral and non-polar, at codon 286 of the SIK1 protein (p.Gly286Val). This variant is present in population databases (no rsID available, gnomAD 0.003%). This variant has not been reported in the literature in individuals affected with SIK1-related conditions. An algorithm developed to predict the effect of missense changes on protein structure and function (PolyPhen-2) suggests that this variant is likely to be tolerated. In summary, the available evidence is currently insufficient to determine the role of this variant in disease. Therefore, it has been classified as a Variant of Uncertain Significance.

NM_173354.5(SIK1):c.857G>T (p.Gly286Val)

Gene: SIK1 (salt inducible kinase 1; minus strand). Cytogenetic location: 21q22.3.
Variant type: single nucleotide variant.
Coding change: c.857G>T on transcript NM_173354.5 (MANE Select); coding-DNA position 857, G replaced by T.
Protein change: p.Gly286Val; replaces glycine 286 with valine.
Molecular consequence: missense variant.
Genome position (GRCh38, 1-based): chr21:43,420,349, C>A on the plus strand (G>T on the coding strand, the complement: SIK1 is on the minus strand). VCF-style: chr21-43420349-C-A. GRCh37 (hg19) VCF-style: chr21-44840229-C-A.
Other names: short protein forms G286V.
Identifiers: ClinVar variation 4744803 (VCV004744803.1).